The following is an entry in ClinVar:

NM_001184.4(ATR):c.3380T>C (p.Leu1127Ser)

Gene: ATR (ATR checkpoint kinase; minus strand). Cytogenetic location: 3q23.
Variant type: single nucleotide variant.
Coding change: c.3380T>C on transcript NM_001184.4 (MANE Select); coding-DNA position 3380, T replaced by C.
Protein change: p.Leu1127Ser; replaces leucine 1127 with serine.
Molecular consequence: missense variant.
Genome position (GRCh38, 1-based): chr3:142,542,735, A>G on the plus strand (T>C on the coding strand, the complement: ATR is on the minus strand). VCF-style: chr3-142542735-A-G. GRCh37 (hg19) VCF-style: chr3-142261577-A-G.
Other names: c.3188T>C, p.Leu1063Ser (NM_001354579.2); short protein forms L1063S, L1127S.
Identifiers: ClinVar variation 1384486 (VCV001384486.9), dbSNP rs765465161, ClinGen allele CA2650123.

ClinVar aggregate classification (germline): Uncertain significance. Review status: criteria provided, multiple submitters, no conflicts (2 of 4 stars). 4 submissions from 3 submitters: Uncertain significance (4). Last evaluated 2025-09-14.

Conditions:
Familial cutaneous telangiectasia and oropharyngeal predisposition cancer syndrome. Identifiers: Orphanet 313846, MedGen C3281203, MONDO:0013806, OMIM 614564.
Seckel syndrome 1 (SCKL1). Also called: MICROCEPHALIC PRIMORDIAL DWARFISM I. Identifiers: Orphanet 808, MedGen C4551474, MONDO:0008869, OMIM 210600.
Inborn genetic diseases. Identifiers: MedGen C0950123, MeSH D030342.

Allele frequency attached by ClinVar (database versions not stated): gnomAD exomes below 0.00001; ExAC 0.00002; TOPMed 0.00002; gnomAD 0.00003 and 0.00004.
gnomAD v4.1: 7 of 1,612,826 alleles (0.00043%); highest among the groups gnomAD compares: African/African-American, 0.0093%; no homozygotes.

Submissions (4):

Labcorp Genetics (formerly Invitae), Labcorp
Classification: Uncertain significance. Last evaluated: 2025-09-14. Review status: criteria provided, single submitter. Criteria: Invitae Variant Classification Sherloc (09022015). Collection method: clinical testing. Allele origin: germline.
Comment: This sequence change replaces leucine, which is neutral and non-polar, with serine, which is neutral and polar, at codon 1127 of the ATR protein (p.Leu1127Ser). This variant is present in population databases (rs765465161, gnomAD 0.01%). This variant has not been reported in the literature in individuals affected with ATR-related conditions. ClinVar contains an entry for this variant (Variation ID: 1384486). An algorithm developed to predict the effect of missense changes on protein structure and function (PolyPhen-2) suggests that this variant is likely to be disruptive. In summary, the available evidence is currently insufficient to determine the role of this variant in disease. Therefore, it has been classified as a Variant of Uncertain Significance.

Ambry Genetics
Classification: Uncertain significance for Inborn genetic diseases. Last evaluated: 2024-08-19. Review status: criteria provided, single submitter. Criteria: Ambry Variant Classification Scheme 2023. Collection method: clinical testing. Allele origin: germline.

Genome-Nilou Lab
Classification: Uncertain significance for Seckel syndrome 1. Last evaluated: 2023-02-08. Review status: criteria provided, single submitter. Criteria: ACMG Guidelines, 2015. Collection method: clinical testing. Allele origin: germline.

Genome-Nilou Lab
Classification: Uncertain significance for Familial cutaneous telangiectasia and oropharyngeal predisposition cancer syndrome. Last evaluated: 2023-02-08. Review status: criteria provided, single submitter. Criteria: ACMG Guidelines, 2015. Collection method: clinical testing. Allele origin: germline.